The following is an entry in ClinVar:

NM_032520.5(GNPTG):c.178+2T>C

Gene: GNPTG (N-acetylglucosamine-1-phosphate transferase subunit gamma; plus strand). Cytogenetic location: 16p13.3.
Variant type: single nucleotide variant.
Coding change: c.178+2T>C on transcript NM_032520.5 (MANE Select); the canonical splice donor site of the intron after coding-DNA position 178, T replaced by C.
Molecular consequence: splice donor variant.
Genome position (GRCh38, 1-based): chr16:1,352,308, T>C. VCF-style: chr16-1352308-T-C. GRCh37 (hg19) VCF-style: chr16-1402309-T-C.
Identifiers: ClinVar variation 552397 (VCV000552397.7), dbSNP rs1555450744, ClinGen allele CA394184682.

ClinVar aggregate classification (germline): Likely pathogenic. Review status: criteria provided, single submitter (1 of 4 stars). 2 submissions from 2 submitters: Likely pathogenic (1). 1 of the submissions does not count toward it. Last evaluated 2023-04-20.

Conditions:
GNPTG-mucolipidosis. Also called: ML III GAMMA; ML IIIC; Mucolipidosis type III gamma; MUCOLIPIDOSIS III, COMPLEMENTATION GROUP C; MUCOLIPIDOSIS III, IRANIAN VARIANT FORM; MUCOLIPIDOSIS III, VARIANT FORM. Identifiers: Orphanet 423470, Orphanet 577, MedGen C1854896, MONDO:0009652, OMIM 252605.

Submissions (2):

Labcorp Genetics (formerly Invitae), Labcorp
Classification: Likely pathogenic. Last evaluated: 2023-04-20. Review status: criteria provided, single submitter. Criteria: Invitae Variant Classification Sherloc (09022015). Collection method: clinical testing. Allele origin: germline.
Comment: This variant is not present in population databases (gnomAD no frequency). In summary, the currently available evidence indicates that the variant is pathogenic, but additional data are needed to prove that conclusively. Therefore, this variant has been classified as Likely Pathogenic. Algorithms developed to predict the effect of sequence changes on RNA splicing suggest that this variant may disrupt the consensus splice site. ClinVar contains an entry for this variant (Variation ID: 552397). This variant has not been reported in the literature in individuals affected with GNPTG-related conditions. This sequence change affects a donor splice site in intron 3 of the GNPTG gene. It is expected to disrupt RNA splicing. Variants that disrupt the donor or acceptor splice site typically lead to a loss of protein function (PMID: 16199547), and loss-of-function variants in GNPTG are known to be pathogenic (PMID: 19370764, 20301784).

Counsyl
Classification: Likely pathogenic for GNPTG-mucolipidosis. Last evaluated: 2017-06-16. Review status: no assertion criteria provided. Collection method: clinical testing. Allele origin: unknown. Not counted in ClinVar's aggregate classification.

Literature cited by the submitters: PubMed 16199547 (cited by Labcorp Genetics (formerly Invitae), Labcorp); PubMed 19370764 (cited by Labcorp Genetics (formerly Invitae), Labcorp); PubMed 20301784 (cited by Labcorp Genetics (formerly Invitae), Labcorp).